The following is an entry in ClinVar:

ClinVar aggregate classification (germline): Uncertain significance. Review status: criteria provided, multiple submitters, no conflicts (2 of 4 stars). 3 submissions from 3 submitters: Uncertain significance (3). Last evaluated 2025-06-24.

Conditions:
Cardiovascular phenotype. Identifiers: MedGen CN230736.
Primary familial dilated cardiomyopathy (FDC). Also called: Hypokinetic dilated cardiomyopathy, familial; Familial dilated cardiomyopathy. Identifiers: Orphanet 217607, MedGen C0340427, MONDO:0016333.
Dilated cardiomyopathy 1W (CMD1W). Identifiers: Orphanet 154, MedGen C1969639, MONDO:0012667, OMIM 611407.

Submissions (3):

Ambry Genetics
Classification: Uncertain significance for Cardiovascular phenotype. Last evaluated: 2025-06-24. Review status: criteria provided, single submitter. Criteria: Ambry Variant Classification Scheme 2023. Collection method: clinical testing. Allele origin: germline.

Labcorp Genetics (formerly Invitae), Labcorp
Classification: Uncertain significance for Dilated cardiomyopathy 1W. Last evaluated: 2023-05-22. Review status: criteria provided, single submitter. Criteria: Invitae Variant Classification Sherloc (09022015). Collection method: clinical testing. Allele origin: germline.
Comment: This variant has not been reported in the literature in individuals affected with VCL-related conditions. This variant is not present in population databases (gnomAD no frequency). This sequence change replaces lysine, which is basic and polar, with glutamic acid, which is acidic and polar, at codon 979 of the VCL protein (p.Lys979Glu). In summary, the available evidence is currently insufficient to determine the role of this variant in disease. Therefore, it has been classified as a Variant of Uncertain Significance. An algorithm developed to predict the effect of missense changes on protein structure and function (PolyPhen-2) suggests that this variant is likely to be tolerated. ClinVar contains an entry for this variant (Variation ID: 684821).

Molecular Diagnostic Laboratory for Inherited Cardiovascular Disease, Montreal Heart Institute
Classification: Uncertain significance for Familial dilated cardiomyopathy. Review status: criteria provided, single submitter. Criteria: ACMG Guidelines, 2015. Collection method: clinical testing. Allele origin: germline. Affected: yes.

NM_014000.3(VCL):c.2935A>G (p.Lys979Glu)

Gene: VCL (vinculin; plus strand). Cytogenetic location: 10q22.2.
Variant type: single nucleotide variant.
Coding change: c.2935A>G on transcript NM_014000.3 (MANE Select); coding-DNA position 2935, A replaced by G.
Protein change: p.Lys979Glu; replaces lysine 979 with glutamic acid.
Molecular consequence: missense variant. On other transcripts: intron variant (1).
Genome position (GRCh38, 1-based): chr10:74,112,098, A>G. VCF-style: chr10-74112098-A-G. GRCh37 (hg19) VCF-style: chr10-75871856-A-G.
Other names: c.2746-2086A>G (NM_003373.4); short protein forms K979E.
Identifiers: ClinVar variation 684821 (VCV000684821.6), dbSNP rs1591718331, ClinGen allele CA377264902.